The following is an entry in ClinVar:

ClinVar aggregate classification (germline): Uncertain significance (1 of 4 stars; one submission).

gnomAD v4.1: 1 of 1,614,008 alleles (0.000062%); highest among the groups gnomAD compares: Non-Finnish European, 0.000085%; no homozygotes.

Submission:

Labcorp Genetics (formerly Invitae), Labcorp
Classification: Uncertain significance. Last evaluated: 2025-03-10. Review status: criteria provided, single submitter. Criteria: Invitae Variant Classification Sherloc (09022015). Collection method: clinical testing. Allele origin: germline.
Comment: This sequence change replaces glutamic acid, which is acidic and polar, with glycine, which is neutral and non-polar, at codon 261 of the SLC10A2 protein (p.Glu261Gly). This variant is not present in population databases (gnomAD no frequency). This variant has not been reported in the literature in individuals affected with SLC10A2-related conditions. Invitae Evidence Modeling of protein sequence and biophysical properties (such as structural, functional, and spatial information, amino acid conservation, physicochemical variation, residue mobility, and thermodynamic stability) indicates that this missense variant is expected to disrupt SLC10A2 protein function with a positive predictive value of 80%. In summary, the available evidence is currently insufficient to determine the role of this variant in disease. Therefore, it has been classified as a Variant of Uncertain Significance.

NM_000452.3(SLC10A2):c.782A>G (p.Glu261Gly)

Gene: SLC10A2 (solute carrier family 10 member 2; minus strand). Cytogenetic location: 13q33.1.
Variant type: single nucleotide variant.
Coding change: c.782A>G on transcript NM_000452.3 (MANE Select); coding-DNA position 782, A replaced by G.
Protein change: p.Glu261Gly; replaces glutamic acid 261 with glycine.
Molecular consequence: missense variant.
Genome position (GRCh38, 1-based): chr13:103,049,426, T>C on the plus strand (A>G on the coding strand, the complement: SLC10A2 is on the minus strand). VCF-style: chr13-103049426-T-C. GRCh37 (hg19) VCF-style: chr13-103701776-T-C.
Other names: short protein forms E261G.
Identifiers: ClinVar variation 3675603 (VCV003675603.2).